The following is an entry in ClinVar:

ClinVar aggregate classification (germline): Uncertain significance (1 of 4 stars; one submission).

Conditions:
Cardiovascular phenotype. Identifiers: MedGen CN230736.
Hereditary cancer-predisposing syndrome. Also called: Tumor predisposition; Hereditary Cancer Syndrome; Neoplastic Syndromes, Hereditary; Hereditary neoplastic syndrome. Identifiers: Orphanet 140162, MedGen C0027672, MeSH D009386, MONDO:0015356.

Submission:

Ambry Genetics
Classification: Uncertain significance for Cardiovascular phenotype; Hereditary cancer-predisposing syndrome. Last evaluated: 2018-10-08. Review status: criteria provided, single submitter. Criteria: Ambry Variant Classification Scheme 2023. Collection method: clinical testing. Allele origin: germline.
Comment: The c.-2A>G variant is located in the 5' untranslated region (5&rsquo; UTR) of the NF1 gene. This variant results from an A to G substitution 2 bases upstream from the first translated codon. This nucleotide position is highly conserved in available vertebrate species. Since supporting evidence is limited at this time, the clinical significance of this alteration remains unclear.

NM_001042492.3(NF1):c.-2A>G

Genes: MIR4733HG (MIR4733 host gene; minus strand), NF1 (neurofibromin 1; plus strand), LOC111811965 (NF1 (neurofibromin 1) promoter region; plus strand). Cytogenetic location: 17q11.2.
Variant type: single nucleotide variant.
Coding change: c.-2A>G on transcript NM_001042492.3 (MANE Select); 2 bases upstream of the start codon, A replaced by G.
Molecular consequence: 5 prime UTR variant. On other transcripts: non-coding transcript variant (1).
Genome position (GRCh38, 1-based): chr17:31,095,308, A>G. VCF-style: chr17-31095308-A-G. GRCh37 (hg19) VCF-style: chr17-29422326-A-G.
Other names: c.-2A>G (NM_000267.4, NM_001128147.3).
Identifiers: ClinVar variation 822503 (VCV000822503.4), dbSNP rs876659342, ClinGen allele CA499197490.
Genomic context (GRCh38, chr17:31,095,308, plus strand): 5'-TCTTCCCGGCCCAGGGCGCCGGCCCACCCTTCCCTCCGCCGCCCCCCGGCCGCGGGGAGG[A>G]CATGGCCGCGCACAGGCCGGTGGAATGGGTCCAGGCCGTGGTCAGCCGCTTCGACGAGCA-3'